The following is an entry in ClinVar:

ClinVar aggregate classification (germline): Uncertain significance. Review status: criteria provided, multiple submitters, no conflicts (2 of 4 stars). 2 submissions from 2 submitters: Uncertain significance (2). Last evaluated 2025-07-16.

Conditions:
Hereditary cancer-predisposing syndrome. Also called: Tumor predisposition; Neoplastic Syndromes, Hereditary; Hereditary Cancer Syndrome; Hereditary neoplastic syndrome. Identifiers: Orphanet 140162, MedGen C0027672, MeSH D009386, MONDO:0015356.

Submissions (2):

Ambry Genetics
Classification: Uncertain significance for Hereditary cancer-predisposing syndrome. Last evaluated: 2025-07-16. Review status: criteria provided, single submitter. Criteria: Ambry Variant Classification Scheme 2023. Collection method: clinical testing. Allele origin: germline.
Comment: The p.I1045M variant (also known as c.3135C>G), located in coding exon 21 of the SMARCA4 gene, results from a C to G substitution at nucleotide position 3135. The isoleucine at codon 1045 is replaced by methionine, an amino acid with highly similar properties. This amino acid position is conserved. In addition, the in silico prediction for this alteration is inconclusive. Based on the available evidence, the clinical significance of this variant remains unclear.

GeneDx
Classification: Uncertain significance. Last evaluated: 2025-07-09. Review status: criteria provided, single submitter. Criteria: GeneDx Variant Classification Process June 2021. Collection method: clinical testing. Allele origin: germline. Affected: yes.
Comment: Not observed at significant frequency in large population cohorts (gnomAD); In silico analysis suggests that this missense variant does not alter protein structure/function; Has not been previously published as pathogenic or benign to our knowledge; This variant is associated with the following publications: (PMID: 24658002)

NM_003072.5(SMARCA4):c.3135C>G (p.Ile1045Met)

Gene: SMARCA4 (SWI/SNF related BAF chromatin remodeling complex subunit ATPase 4; plus strand). Cytogenetic location: 19p13.2.
Variant type: single nucleotide variant.
Coding change: c.3135C>G on transcript NM_003072.5 (MANE Select); coding-DNA position 3135, C replaced by G.
Protein change: p.Ile1045Met; replaces isoleucine 1045 with methionine.
Molecular consequence: missense variant. On other transcripts: non-coding transcript variant (1).
Genome position (GRCh38, 1-based): chr19:11,025,475, C>G. VCF-style: chr19-11025475-C-G. GRCh37 (hg19) VCF-style: chr19-11136151-C-G.
Other names: c.3135C>G, p.Ile1045Met (NM_001128844.3, NM_001128845.2, NM_001128846.2 and 5 more transcripts); short protein forms I1045M.
Identifiers: ClinVar variation 1309090 (VCV001309090.4), dbSNP rs2090183949, ClinGen allele CA404059247.
Genomic context (GRCh38, chr19:11,025,475, plus strand): 5'-CTTCCAGGGCAAAGGCGGCACCAAGACCCTGATGAACACCATCATGCAGCTGCGGAAGAT[C>G]TGCAACCACCCCTACATGTTCCAGCACATCGAGGTGAGCCCGCCGCGGCTGGGACGGCTC-3'
Protein context (NP_003063.2, residues 1035-1055): LMNTIMQLRK[Ile1045Met]CNHPYMFQHI